The following is an entry in ClinVar:

NM_005876.5(SPEG):c.4826+3G>A

Gene: SPEG (striated muscle enriched protein kinase; plus strand). Cytogenetic location: 2q35.
Variant type: single nucleotide variant.
Coding change: c.4826+3G>A on transcript NM_005876.5 (MANE Select); 3 bases into the intron after coding-DNA position 4826, G replaced by A.
Molecular consequence: intron variant.
Genome position (GRCh38, 1-based): chr2:219,477,788, G>A. VCF-style: chr2-219477788-G-A. GRCh37 (hg19) VCF-style: chr2-220342510-G-A.
Identifiers: ClinVar variation 1439306 (VCV001439306.6), dbSNP rs1692484712, ClinGen allele CA1329237164.

ClinVar aggregate classification (germline): Uncertain significance (1 of 4 stars; one submission).

Allele frequency attached by ClinVar (database versions not stated): TOPMed below 0.00001.

Submission:

Labcorp Genetics (formerly Invitae), Labcorp
Classification: Uncertain significance. Last evaluated: 2022-03-02. Review status: criteria provided, single submitter. Criteria: Invitae Variant Classification Sherloc (09022015). Collection method: clinical testing. Allele origin: germline.
Comment: In summary, the available evidence is currently insufficient to determine the role of this variant in disease. Therefore, it has been classified as a Variant of Uncertain Significance. Variants that disrupt the consensus splice site are a relatively common cause of aberrant splicing (PMID: 17576681, 9536098). Algorithms developed to predict the effect of sequence changes on RNA splicing suggest that this variant is not likely to affect RNA splicing. This variant has not been reported in the literature in individuals affected with SPEG-related conditions. This variant is not present in population databases (gnomAD no frequency). This sequence change falls in intron 21 of the SPEG gene. It does not directly change the encoded amino acid sequence of the SPEG protein. It affects a nucleotide within the consensus splice site.

Literature cited by the submitters: PubMed 17576681; PubMed 9536098.